The following is an entry in ClinVar:

NM_004415.4(DSP):c.3820G>T (p.Ala1274Ser)

Gene: DSP (desmoplakin; plus strand). Cytogenetic location: 6p24.3.
Variant type: single nucleotide variant.
Coding change: c.3820G>T on transcript NM_004415.4 (MANE Select); coding-DNA position 3820, G replaced by T.
Protein change: p.Ala1274Ser; replaces alanine 1274 with serine.
Molecular consequence: missense variant. On other transcripts: intron variant (1).
Genome position (GRCh38, 1-based): chr6:7,580,010, G>T. VCF-style: chr6-7580010-G-T. GRCh37 (hg19) VCF-style: chr6-7580243-G-T.
Other names: c.3820G>T, p.Ala1274Ser (NM_001319034.2); c.3582+238G>T (NM_001008844.3); short protein forms A1274S.
Identifiers: ClinVar variation 1044791 (VCV001044791.9), dbSNP rs1285435504, ClinGen allele CA362684926.
Genomic context (GRCh38, chr6:7,580,010, plus strand): 5'-GTCAGGCTCAATGACAGCATCTTGCAGGCCACTGAGCAGCGAAGGCGAGCTGAAGAAAAC[G>T]CCCTTCAGCAAAAGGCCTGTGGCTCTGAGATAATGCAGAAGAAGCAGCATCTGGAGATAG-3'
Protein context (NP_004406.2, residues 1264-1284): TEQRRRAEEN[Ala1274Ser]LQQKACGSEI

ClinVar aggregate classification (germline): Uncertain significance (1 of 4 stars; one submission).

Conditions:
Arrhythmogenic right ventricular dysplasia 8 (ARVD8). Also called: Arrhythmogenic Right Ventricular Dysplasia/Cardiomyopathy 8; ARRHYTHMOGENIC RIGHT VENTRICULAR CARDIOMYOPATHY 8; ARRHYTHMOGENIC RIGHT VENTRICULAR DYSPLASIA, FAMILIAL, 8. Identifiers: MedGen C1843896, MONDO:0011831, OMIM 607450.
Arrhythmogenic cardiomyopathy with wooly hair and keratoderma. Also called: Carvajal syndrome; PALMOPLANTAR KERATODERMA WITH LEFT VENTRICULAR CARDIOMYOPATHY AND WOOLLY HAIR; Arrhythmogenic cardiomyopathy with woolly hair and keratoderma; Dilated cardiomyopathy with woolly hair and keratoderma. Identifiers: Orphanet 65282, MedGen C1854063, MONDO:0011581, OMIM 605676.

Submission:

Labcorp Genetics (formerly Invitae), Labcorp
Classification: Uncertain significance for Arrhythmogenic cardiomyopathy with wooly hair and keratoderma; Arrhythmogenic right ventricular dysplasia 8. Last evaluated: 2022-05-18. Review status: criteria provided, single submitter. Criteria: Invitae Variant Classification Sherloc (09022015). Collection method: clinical testing. Allele origin: germline.
Comment: In summary, the available evidence is currently insufficient to determine the role of this variant in disease. Therefore, it has been classified as a Variant of Uncertain Significance. Algorithms developed to predict the effect of missense changes on protein structure and function (SIFT, PolyPhen-2, Align-GVGD) all suggest that this variant is likely to be tolerated. This sequence change replaces alanine, which is neutral and non-polar, with serine, which is neutral and polar, at codon 1274 of the DSP protein (p.Ala1274Ser). ClinVar contains an entry for this variant (Variation ID: 1044791). This variant has not been reported in the literature in individuals affected with DSP-related conditions. This variant is not present in population databases (gnomAD no frequency).